The following is an entry in ClinVar:

NM_002691.4(POLD1):c.1780T>G (p.Tyr594Asp)

Gene: POLD1 (DNA polymerase delta 1, catalytic subunit; plus strand). Cytogenetic location: 19q13.33.
Variant type: single nucleotide variant.
Coding change: c.1780T>G on transcript NM_002691.4 (MANE Select); coding-DNA position 1780, T replaced by G.
Protein change: p.Tyr594Asp; replaces tyrosine 594 with aspartic acid.
Molecular consequence: missense variant. On other transcripts: non-coding transcript variant (1).
Genome position (GRCh38, 1-based): chr19:50,408,789, T>G. VCF-style: chr19-50408789-T-G. GRCh37 (hg19) VCF-style: chr19-50912046-T-G.
Other names: c.1780T>G, p.Tyr594Asp (NM_001256849.1); c.1858T>G, p.Tyr620Asp (NM_001308632.1); short protein forms Y594D, Y620D.
Identifiers: ClinVar variation 2810523 (VCV002810523.3), dbSNP rs768698444, ClinGen allele CA406981938.
Genomic context (GRCh38, chr19:50,408,789, plus strand): 5'-GGGGCGGCATGGGAACTCCTAGCCCTGACTCCCGGCCGCGGCTGCTCCCCTCCCAGGTAC[T>G]ACGACGTCCCCATCGCCACCCTGGACTTCTCCTCGCTGTACCCGTCCATCATGATGGCCC-3'
Protein context (NP_002682.2, residues 584-604): ATVIEPLKGY[Tyr594Asp]DVPIATLDFS

ClinVar aggregate classification (germline): Uncertain significance (1 of 4 stars; one submission).

Conditions:
POLD1-related polyposis and colorectal cancer syndrome (CRCS10). Also called: Colorectal cancer 10; Colorectal cancer, susceptibility to, 10; COLORECTAL CANCER, SUSCEPTIBILITY TO, ON CHROMOSOME 19q. Identifiers: Orphanet 220460, MedGen C2675481, MONDO:0012953, OMIM 612591.

Allele frequency attached by ClinVar (database versions not stated): gnomAD exomes below 0.00001.
gnomAD v4.1: 2 of 1,613,806 alleles (0.00012%); highest among the groups gnomAD compares: Non-Finnish European, 0.00017%; no homozygotes.

Submission:

Labcorp Genetics (formerly Invitae), Labcorp
Classification: Uncertain significance for POLD1-related polyposis and colorectal cancer syndrome. Last evaluated: 2023-09-04. Review status: criteria provided, single submitter. Criteria: Invitae Variant Classification Sherloc (09022015). Collection method: clinical testing. Allele origin: germline.
Comment: In summary, the available evidence is currently insufficient to determine the role of this variant in disease. Therefore, it has been classified as a Variant of Uncertain Significance. Advanced modeling of protein sequence and biophysical properties (such as structural, functional, and spatial information, amino acid conservation, physicochemical variation, residue mobility, and thermodynamic stability) performed at Invitae indicates that this missense variant is expected to disrupt POLD1 protein function. This variant has not been reported in the literature in individuals affected with POLD1-related conditions. This variant is not present in population databases (gnomAD no frequency). This sequence change replaces tyrosine, which is neutral and polar, with aspartic acid, which is acidic and polar, at codon 594 of the POLD1 protein (p.Tyr594Asp).